The following is an entry in ClinVar:

NM_014633.5(CTR9):c.3512A>G (p.Asp1171Gly)

Gene: CTR9 (CTR9 component of Paf1/RNA polymerase II complex; plus strand). Cytogenetic location: 11p15.4.
Variant type: single nucleotide variant.
Coding change: c.3512A>G on transcript NM_014633.5 (MANE Select); coding-DNA position 3512, A replaced by G.
Protein change: p.Asp1171Gly; replaces aspartic acid 1171 with glycine.
Molecular consequence: missense variant.
Genome position (GRCh38, 1-based): chr11:10,779,095, A>G. VCF-style: chr11-10779095-A-G. GRCh37 (hg19) VCF-style: chr11-10800642-A-G.
Other names: c.3440A>G, p.Asp1147Gly (NM_001346279.2); short protein forms D1147G, D1171G.
Identifiers: ClinVar variation 1404032 (VCV001404032.9), dbSNP rs530409686, ClinGen allele CA5885608.

ClinVar aggregate classification (germline): Uncertain significance. Review status: criteria provided, multiple submitters, no conflicts (2 of 4 stars). 2 submissions from 2 submitters: Uncertain significance (2). Last evaluated 2025-10-27.

Allele frequency attached by ClinVar (database versions not stated): gnomAD exomes 0.00002; ExAC 0.00005; 1000 Genomes Project 30x 0.00031; 1000 Genomes Project 0.00040.
gnomAD v4.1: 49 of 1,606,732 alleles (0.003%); highest among the groups gnomAD compares: African/African-American, 0.063%; no homozygotes.

Submissions (2):

Labcorp Genetics (formerly Invitae), Labcorp
Classification: Uncertain significance. Last evaluated: 2025-10-27. Review status: criteria provided, single submitter. Criteria: Invitae Variant Classification Sherloc (09022015). Collection method: clinical testing. Allele origin: germline.
Comment: This sequence change replaces aspartic acid, which is acidic and polar, with glycine, which is neutral and non-polar, at codon 1171 of the CTR9 protein (p.Asp1171Gly). This variant is present in population databases (rs530409686, gnomAD 0.04%). This missense change has been observed in individual(s) with Wilms tumor (PMID: 25099282). ClinVar contains an entry for this variant (Variation ID: 1404032). An algorithm developed to predict the effect of missense changes on protein structure and function (PolyPhen-2) suggests that this variant is likely to be disruptive. Algorithms developed to predict the effect of sequence changes on RNA splicing suggest that this variant may create or strengthen a splice site. In summary, the available evidence is currently insufficient to determine the role of this variant in disease. Therefore, it has been classified as a Variant of Uncertain Significance.

Breakthrough Genomics
Classification: Uncertain significance. Review status: criteria provided, single submitter. Criteria: ACMG Guidelines, 2015. Collection method: not provided. Allele origin: germline. Inheritance: Unknown mechanism. Affected: yes.

Literature cited by the submitters: PubMed 25099282 (cited by Labcorp Genetics (formerly Invitae), Labcorp).